The following is an entry in ClinVar:

ClinVar aggregate classification (germline): Uncertain significance. Review status: criteria provided, multiple submitters, no conflicts (2 of 4 stars). 2 submissions from 2 submitters: Uncertain significance (2). Last evaluated 2021-11-07.

Conditions:
Hereditary cancer-predisposing syndrome. Also called: Hereditary Cancer Syndrome; Neoplastic Syndromes, Hereditary; Tumor predisposition; Hereditary neoplastic syndrome. Identifiers: Orphanet 140162, MedGen C0027672, MeSH D009386, MONDO:0015356.
Microcephaly, normal intelligence and immunodeficiency (NBS). Also called: BERLIN BREAKAGE SYNDROME; Ataxia telangiectasia variant V1; IMMUNODEFICIENCY, MICROCEPHALY, AND CHROMOSOMAL INSTABILITY; SEEMANOVA SYNDROME II; Nijmegen breakage syndrome; Microcephaly with normal intelligence immunodeficiency and lymphoreticular malignancies. Identifiers: Orphanet 647, MedGen C0398791, MONDO:0009623, OMIM 251260.

Submissions (2):

Genome-Nilou Lab
Classification: Uncertain significance for Microcephaly, normal intelligence and immunodeficiency. Last evaluated: 2021-11-07. Review status: criteria provided, single submitter. Criteria: ACMG Guidelines, 2015. Collection method: clinical testing. Allele origin: germline. Affected: no.

Ambry Genetics
Classification: Uncertain significance for Hereditary cancer-predisposing syndrome. Last evaluated: 2015-01-16. Review status: criteria provided, single submitter. Criteria: Ambry Variant Classification Scheme 2023. Collection method: clinical testing. Allele origin: germline.
Comment: The p.T668I variant (also known as c.2003C>T), located in coding exon 13 of the NBN gene, results from a C to T substitution at nucleotide position 2003. The threonine at codon 668 is replaced by isoleucine, an amino acid with similar properties. This variant was not reported in population based cohorts in the following databases: Database of Single Nucleotide Polymorphisms (dbSNP), NHLBI Exome Sequencing Project (ESP), and 1000 Genomes Project. In the ESP, this variant was not observed in 6501 samples (13002 alleles) with coverage at this position. To date, this alteration has been detected with an allele frequency of approximately 0.003% (greater than 40000 alleles tested) in our clinical cohort. This amino acid position is poorly conserved in available vertebrate species. In addition, this alteration is predicted to be tolerated by in silico analysis. Since supporting evidence is limited at this time, the clinical significance of p.T668I remains unclear.

NM_002485.5(NBN):c.2003C>T (p.Thr668Ile)

Gene: NBN (nibrin; minus strand). Cytogenetic location: 8q21.3.
Variant type: single nucleotide variant.
Coding change: c.2003C>T on transcript NM_002485.5 (MANE Select); coding-DNA position 2003, C replaced by T.
Protein change: p.Thr668Ile; replaces threonine 668 with isoleucine.
Molecular consequence: missense variant.
Genome position (GRCh38, 1-based): chr8:89,946,207, G>A on the plus strand (C>T on the coding strand, the complement: NBN is on the minus strand). VCF-style: chr8-89946207-G-A. GRCh37 (hg19) VCF-style: chr8-90958435-G-A.
Other names: c.1757C>T, p.Thr586Ile (NM_001024688.3); short protein forms T668I, T586I.
Identifiers: ClinVar variation 230024 (VCV000230024.10), dbSNP rs876658336, ClinGen allele CA10578748.
Genomic context (GRCh38, chr8:89,946,207, plus strand): 5'-AATTTCTTGAAATTTTTTAGTTGACCATAATCATCATTTATGCCAGATGGATTTCTGGAA[G>A]TAGAGTTTTTAATCACCAGTGATCTAAATTCAGTCAATAACAGCTTTTTTGGAAGCATCT-3'
Protein context (NP_002476.2, residues 658-678): EFRSLVIKNS[Thr668Ile]SRNPSGINDD